The following is an entry in ClinVar:

ClinVar aggregate classification (germline): Benign/Likely benign. Review status: criteria provided, multiple submitters, no conflicts (2 of 4 stars). 11 submissions from 11 submitters: Benign (3); Likely benign (7). 1 of the submissions does not count toward it. Last evaluated 2026-01-26.

Conditions:
Cardiovascular phenotype. Identifiers: MedGen CN230736.
Arrhythmogenic right ventricular dysplasia 5. Also called: ARRHYTHMOGENIC RIGHT VENTRICULAR DYSPLASIA, FAMILIAL, 5; Arrhythmogenic Right Ventricular Dysplasia/Cardiomyopathy 5. Identifiers: MedGen C1858379, MONDO:0011459, OMIM 604400.
Cardiomyopathy (CMYO). Also called: Cardiomyopathies. Identifiers: Orphanet 167848, MedGen C0878544, MONDO:0004994, HP:0001638. Inheritance: Various modes of inheritance.
TMEM43-related disorder. Also called: TMEM43-related condition.

Allele frequency attached by ClinVar (database versions not stated): gnomAD exomes 0.00005 and 0.00011; ExAC 0.00015; 1000 Genomes Project 0.00020; ESP Exome Variant Server 0.00031; gnomAD 0.00042 and 0.00044; TOPMed 0.00042; 1000 Genomes Project 30x 0.00062.
gnomAD v4.1: 133 of 1,611,828 alleles (0.0083%); highest among the groups gnomAD compares: African/African-American, 0.14%; 1 homozygote.

Submissions (11):

Labcorp Genetics (formerly Invitae), Labcorp
Classification: Benign for Arrhythmogenic right ventricular dysplasia 5. Last evaluated: 2026-01-26. Review status: criteria provided, single submitter. Criteria: Invitae Variant Classification Sherloc (09022015). Collection method: clinical testing. Allele origin: germline.

CeGaT Center for Human Genetics Tuebingen
Classification: Likely benign. Last evaluated: 2026-01-01. Review status: criteria provided, single submitter. Criteria: CeGaT Center For Human Genetics Tuebingen Variant Classification Criteria Version 2. Collection method: clinical testing. Allele origin: germline. Affected: yes. Observed: 1 variant allele.
Comment: TMEM43: BP4, BP7

Mayo Clinic Laboratories, Mayo Clinic
Classification: Likely benign. Last evaluated: 2025-10-10. Review status: criteria provided, single submitter. Criteria: ACMG Guidelines, 2015. Collection method: clinical testing. Allele origin: germline. Observed: 2 variant alleles.
Comment: BS1, BP4, BP7

Blueprint Genetics
Classification: Likely benign. Last evaluated: 2024-06-05. Review status: criteria provided, single submitter. Criteria: ACMG Guidelines, 2015. Collection method: clinical testing. Allele origin: germline.

GeneDx
Classification: Likely benign. Last evaluated: 2021-06-07. Review status: criteria provided, single submitter. Criteria: GeneDx Variant Classification Process June 2021. Collection method: clinical testing. Allele origin: germline. Affected: yes.

ARUP Laboratories, Molecular Genetics and Genomics, ARUP Laboratories
Classification: Benign. Last evaluated: 2021-04-13. Review status: criteria provided, single submitter. Criteria: ARUP Molecular Germline Variant Investigation Process 2021. Collection method: clinical testing. Allele origin: germline.

Women's Health and Genetics/Laboratory Corporation of America, LabCorp
Classification: Benign. Last evaluated: 2021-02-01. Review status: criteria provided, single submitter. Criteria: LabCorp Variant Classification Summary - May 2015. Collection method: clinical testing. Allele origin: germline.

Color Diagnostics, LLC DBA Color Health
Classification: Likely benign for Cardiomyopathy. Last evaluated: 2018-11-25. Review status: criteria provided, single submitter. Criteria: ACMG Guidelines, 2015. Collection method: clinical testing. Allele origin: germline.

Athena Diagnostics
Classification: Likely benign. Last evaluated: 2017-04-28. Review status: criteria provided, single submitter. Criteria: Athena Diagnostics Criteria. Collection method: clinical testing. Allele origin: germline.

Ambry Genetics
Classification: Likely benign for Cardiovascular phenotype. Last evaluated: 2017-03-13. Review status: criteria provided, single submitter. Criteria: Ambry Variant Classification Scheme 2023. Collection method: clinical testing. Allele origin: germline.

PreventionGenetics, part of Exact Sciences
Classification: Likely benign for TMEM43-related condition. Last evaluated: 2023-12-11. Review status: no assertion criteria provided. Collection method: clinical testing. Allele origin: germline. Not counted in ClinVar's aggregate classification.
Comment: This variant is classified as likely benign based on ACMG/AMP sequence variant interpretation guidelines (Richards et al. 2015 PMID: 25741868, with internal and published modifications).

NM_024334.3(TMEM43):c.279C>T (p.Gly93=)

Gene: TMEM43 (transmembrane protein 43; plus strand). Cytogenetic location: 3p25.1.
Variant type: single nucleotide variant.
Coding change: c.279C>T on transcript NM_024334.3 (MANE Select); coding-DNA position 279, C replaced by T.
Protein change: p.Gly93=; no amino-acid change (glycine 93 retained).
Molecular consequence: synonymous variant.
Genome position (GRCh38, 1-based): chr3:14,130,938, C>T. VCF-style: chr3-14130938-C-T. GRCh37 (hg19) VCF-style: chr3-14172438-C-T.
Other names: p.Gly93=.
Identifiers: ClinVar variation 343504 (VCV000343504.34), dbSNP rs149883381, ClinGen allele CA052486.
Genomic context (GRCh38, chr3:14,130,938, plus strand): 5'-TCCCGACAGCATCCACAGTGTGGCTCCGGAGAATGAAGGAAGGCTGGTGCACATCATTGG[C>T]GCCTTACGGACATCCAAGGTAGGTTTGGCAGGGGATGCTGACCTGCCAGTGGCTCGGGGC-3'
Protein context (NP_077310.1, residues 83-103): ENEGRLVHII[Gly93=]ALRTSKLLSD